The following is an entry in ClinVar:

NM_006269.2(RP1):c.1498_1499del (p.Met500fs)

Gene: RP1 (RP1 axonemal microtubule associated; plus strand). Cytogenetic location: 8q12.1.
Variant type: Deletion.
Coding change: c.1498_1499del on transcript NM_006269.2 (MANE Select); coding-DNA positions 1498 to 1499, 2 bases deleted (AT; older notation c.1498_1499delAT).
Protein change: p.Met500fs; shifts the reading frame from methionine 500.
Molecular consequence: frameshift variant.
Genome position (GRCh38, 1-based): chr8:54,625,380-54,625,381, AT deleted. VCF-style (leftmost placement, unchanged base first): chr8-54625379-CAT-C. GRCh37 (hg19) VCF-style: chr8-55537939-CAT-C.
Other names: c.1498_1499del (NM_006269.1); c.1498_1499delAT (NM_006269.2); short protein forms M500fs.
Identifiers: ClinVar variation 437947 (VCV000437947.9), dbSNP rs765129639, ClinGen allele CA4751389.
Genomic context (GRCh38, chr8:54,625,379, plus strand): 5'-GATTGGACAGTTTTCATATAGTGAAGAAAGGGAAAGTGGGGAAAACAAGTCTGAGTATCA[CAT>C]GTTTACACATTCTTGCAGTAAAATGTCATCAGTATCTAACAAACCAGTACTTGTTCAGAT-3'

ClinVar aggregate classification (germline): Pathogenic/Likely pathogenic. Review status: criteria provided, multiple submitters, no conflicts (2 of 4 stars). 5 submissions from 5 submitters: Pathogenic (3); Likely pathogenic (1). 1 of the submissions does not count toward it. Last evaluated 2025-09-02.

Conditions:
RP1-related disorder. Also called: RP1-related condition.
Retinal dystrophy. Also called: Inherited retinal dystrophy. Identifiers: Orphanet 71862, MedGen C0854723, MeSH D058499, MONDO:0019118, HP:0000556.
Retinitis pigmentosa 1 (RP1). Identifiers: Orphanet 791, MedGen C0220701, MONDO:0008377, OMIM 180100.

Allele frequency attached by ClinVar (database versions not stated): gnomAD exomes 0.00001 and 0.00002; TOPMed 0.00001; ExAC 0.00002; gnomAD 0.00002.

Submissions (5):

Labcorp Genetics (formerly Invitae), Labcorp
Classification: Pathogenic. Last evaluated: 2025-09-02. Review status: criteria provided, single submitter. Criteria: Invitae Variant Classification Sherloc (09022015). Collection method: clinical testing. Allele origin: germline.
Comment: This sequence change creates a premature translational stop signal (p.Met500Valfs*7) in the RP1 gene. While this is not anticipated to result in nonsense mediated decay, it is expected to disrupt the last 1657 amino acid(s) of the RP1 protein. This variant is present in population databases (rs765129639, gnomAD 0.01%). This premature translational stop signal has been observed in individual(s) with clinical features consistent with autosomal recessive retinal dystrophy (PMID: 28041643, 30027431, 32193659). In at least one individual the data is consistent with being in trans (on the opposite chromosome) from a pathogenic variant. ClinVar contains an entry for this variant (Variation ID: 437947). For these reasons, this variant has been classified as Pathogenic.

Blueprint Genetics
Classification: Pathogenic for RP1-related disorders. Last evaluated: 2024-09-09. Review status: criteria provided, single submitter. Criteria: ACMG Guidelines, 2015. Collection method: clinical testing. Allele origin: germline. Affected: yes. Observed: 5 variant alleles.

Dept Of Ophthalmology, Nagoya University
Classification: Pathogenic for Retinal dystrophy. Last evaluated: 2023-10-01. Review status: criteria provided, single submitter. Criteria: Submitter's publication. Collection method: research. Allele origin: germline. Affected: yes.

Ocular Genomics Institute, Massachusetts Eye and Ear
Classification: Likely pathogenic for Retinitis pigmentosa 1. Last evaluated: 2021-04-08. Review status: criteria provided, single submitter. Criteria: ACMG Guidelines, 2015. Collection method: research. Allele origin: germline. Affected: yes.
Comment: Through a review of available evidence we were able to apply the following criteria: PVS1, PM2. Based on this evidence we have classified this variant as Likely Pathogenic.

NIHR Bioresource Rare Diseases, University of Cambridge
Classification: Likely pathogenic for Retinal dystrophy. Last evaluated: 2015-01-01. Review status: no assertion criteria provided. Collection method: research. Allele origin: unknown. Affected: yes. Observed: 1 variant allele. Not counted in ClinVar's aggregate classification.

Literature cited by the submitters: PubMed 28041643 (cited by 3 submitters); PubMed 30027431 (cited by Labcorp Genetics (formerly Invitae), Labcorp); PubMed 32193659 (cited by Labcorp Genetics (formerly Invitae), Labcorp).